The following is an entry in ClinVar:

ClinVar aggregate classification (germline): Uncertain significance (1 of 4 stars; one submission).

Submission:

Labcorp Genetics (formerly Invitae), Labcorp
Classification: Uncertain significance. Last evaluated: 2024-09-14. Review status: criteria provided, single submitter. Criteria: Invitae Variant Classification Sherloc (09022015). Collection method: clinical testing. Allele origin: germline.
Comment: This sequence change replaces arginine, which is basic and polar, with glutamine, which is neutral and polar, at codon 115 of the RPL9 protein (p.Arg115Gln). This variant is not present in population databases (gnomAD no frequency). This variant has not been reported in the literature in individuals affected with RPL9-related conditions. An algorithm developed to predict the effect of missense changes on protein structure and function (PolyPhen-2) suggests that this variant is likely to be tolerated. In summary, the available evidence is currently insufficient to determine the role of this variant in disease. Therefore, it has been classified as a Variant of Uncertain Significance.

NM_000661.5(RPL9):c.344G>A (p.Arg115Gln)

Gene: RPL9 (ribosomal protein L9; minus strand). Cytogenetic location: 4p14.
Variant type: single nucleotide variant.
Coding change: c.344G>A on transcript NM_000661.5 (MANE Select); coding-DNA position 344, G replaced by A.
Protein change: p.Arg115Gln; replaces arginine 115 with glutamine.
Molecular consequence: missense variant.
Genome position (GRCh38, 1-based): chr4:39,456,453, C>T on the plus strand (G>A on the coding strand, the complement: RPL9 is on the minus strand). VCF-style: chr4-39456453-C-T. GRCh37 (hg19) VCF-style: chr4-39458073-C-T.
Other names: c.344G>A, p.Arg115Gln (NM_001024921.4); short protein forms R115Q.
Identifiers: ClinVar variation 3710403 (VCV003710403.2).